The following is an entry in ClinVar:

ClinVar aggregate classification (germline): Uncertain significance. Review status: criteria provided, multiple submitters, no conflicts (2 of 4 stars). 2 submissions from 2 submitters: Uncertain significance (2). Last evaluated 2025-03-17.

Conditions:
Meckel-Gruber syndrome. Also called: Dysencephalia splachnocystica; DYSENCEPHALIA SPLANCHNOCYSTICA; GRUBER SYNDROME. Identifiers: Orphanet 564, MedGen C0265215, MONDO:0018921.
Joubert syndrome. Also called: Familial aplasia of the vermis; JOUBERT-BOLTSHAUSER SYNDROME. Identifiers: Orphanet 475, MedGen C5979921, MONDO:0018772.

Allele frequency attached by ClinVar (database versions not stated): TOPMed below 0.00001; ExAC 0.00001; gnomAD exomes 0.00001.
gnomAD v4.1: 9 of 1,613,102 alleles (0.00056%); highest among the groups gnomAD compares: Non-Finnish European, 0.00076%; no homozygotes.

Submissions (2):

Labcorp Genetics (formerly Invitae), Labcorp
Classification: Uncertain significance for Joubert syndrome; Meckel-Gruber syndrome. Last evaluated: 2025-03-17. Review status: criteria provided, single submitter. Criteria: Invitae Variant Classification Sherloc (09022015). Collection method: clinical testing. Allele origin: germline.
Comment: This sequence change replaces alanine, which is neutral and non-polar, with valine, which is neutral and non-polar, at codon 806 of the CC2D2A protein (p.Ala806Val). This variant is present in population databases (rs769808709, gnomAD 0.002%). This variant has not been reported in the literature in individuals affected with CC2D2A-related conditions. ClinVar contains an entry for this variant (Variation ID: 422309). Invitae Evidence Modeling of protein sequence and biophysical properties (such as structural, functional, and spatial information, amino acid conservation, physicochemical variation, residue mobility, and thermodynamic stability) indicates that this missense variant is not expected to disrupt CC2D2A protein function with a negative predictive value of 95%. In summary, the available evidence is currently insufficient to determine the role of this variant in disease. Therefore, it has been classified as a Variant of Uncertain Significance.

GeneDx
Classification: Uncertain significance. Last evaluated: 2016-09-29. Review status: criteria provided, single submitter. Criteria: GeneDx Variant Classification (06012015). Collection method: clinical testing. Allele origin: germline. Affected: yes.
Comment: A variant of uncertain significance has been identified in the CC2D2A gene. The A806V variant has not been published as a pathogenic variant, nor has it been reported as a benign variant to our knowledge. It was not observed in approximately 6,200 individuals of European and African American ancestry in the NHLBI Exome Sequencing Project, indicating it is not a common benign variant in these populations. The A806V variant is a conservative amino acid substitution, which is not likely to impact secondary protein structure as these residues share similar properties. This substitution occurs at a position that is not conserved. However, in silico analysis predicts this variant is probably damaging to the protein structure/function. Therefore, based on the currently available information, it is unclear whether this variant is a pathogenic variant or a rare benign variant.

NM_001378615.1(CC2D2A):c.2417C>T (p.Ala806Val)

Genes: CC2D2A (coiled-coil and C2 domain containing 2A; plus strand), FBXL5 (F-box and leucine rich repeat protein 5; minus strand). Cytogenetic location: 4p15.32.
Variant type: single nucleotide variant.
Coding change: c.2417C>T on transcript NM_001378615.1 (MANE Select); coding-DNA position 2417, C replaced by T.
Protein change: p.Ala806Val; replaces alanine 806 with valine.
Molecular consequence: missense variant.
Genome position (GRCh38, 1-based): chr4:15,553,236, C>T. VCF-style: chr4-15553236-C-T. GRCh37 (hg19) VCF-style: chr4-15554859-C-T.
Other names: c.2417C>T, p.Ala806Val (NM_001080522.2); c.2270C>T, p.Ala757Val (NM_001378617.1); short protein forms A806V, A757V.
Identifiers: ClinVar variation 422309 (VCV000422309.11), dbSNP rs769808709, ClinGen allele CA2863914.